The following is an entry in ClinVar:

NM_052874.5(STX1B):c.106-1G>C

Gene: STX1B (syntaxin 1B; minus strand). Cytogenetic location: 16p11.2.
Variant type: single nucleotide variant.
Coding change: c.106-1G>C on transcript NM_052874.5 (MANE Select); the canonical splice acceptor site of the intron before coding-DNA position 106, G replaced by C.
Molecular consequence: splice acceptor variant.
Genome position (GRCh38, 1-based): chr16:31,001,194, C>G on the plus strand (G>C on the coding strand, the complement: STX1B is on the minus strand). VCF-style: chr16-31001194-C-G. GRCh37 (hg19) VCF-style: chr16-31012515-C-G.
Identifiers: ClinVar variation 838165 (VCV000838165.1), dbSNP rs2056626672, ClinGen allele CA395651796.

ClinVar aggregate classification (germline): Likely pathogenic (1 of 4 stars; one submission).

Conditions:
Generalized epilepsy with febrile seizures plus, type 9 (GEFSP9). Also called: GEFS+, TYPE 9. Identifiers: Orphanet 36387, MedGen C4015395, MONDO:0014517, OMIM 616172.

Submission:

Labcorp Genetics (formerly Invitae), Labcorp
Classification: Likely pathogenic for Generalized epilepsy with febrile seizures plus, type 9. Last evaluated: 2019-12-20. Review status: criteria provided, single submitter. Criteria: Invitae Variant Classification Sherloc (09022015). Collection method: clinical testing. Allele origin: germline.
Comment: This sequence change affects an acceptor splice site in intron 2 of the STX1B gene. It is expected to disrupt RNA splicing and likely results in an absent or disrupted protein product. This variant is not present in population databases (ExAC no frequency). This variant has not been reported in the literature in individuals with STX1B-related conditions. Algorithms developed to predict the effect of sequence changes on RNA splicing suggest that this variant may disrupt the consensus splice site, but this prediction has not been confirmed by published transcriptional studies. Donor and acceptor splice site variants typically lead to a loss of protein function (PMID: 16199547), and loss-of-function variants in STX1B are known to be pathogenic (PMID: 25362483). In summary, the currently available evidence indicates that the variant is pathogenic, but additional data are needed to prove that conclusively. Therefore, this variant has been classified as Likely Pathogenic.

Literature cited by the submitters: PubMed 25362483.